The following is an entry in ClinVar:

NM_001364857.2(ADGRB2):c.1342G>A (p.Val448Met)

Gene: ADGRB2 (adhesion G protein-coupled receptor B2; minus strand). Cytogenetic location: 1p35.2.
Variant type: single nucleotide variant.
Coding change: c.1342G>A on transcript NM_001364857.2 (MANE Select); coding-DNA position 1342, G replaced by A.
Protein change: p.Val448Met; replaces valine 448 with methionine.
Molecular consequence: missense variant.
Genome position (GRCh38, 1-based): chr1:31,742,128, C>T on the plus strand (G>A on the coding strand, the complement: ADGRB2 is on the minus strand). VCF-style: chr1-31742128-C-T. GRCh37 (hg19) VCF-style: chr1-32207729-C-T.
Other names: c.1342G>A, p.Val448Met (NM_001294335.2, NM_001294336.2); short protein forms V448M.
Identifiers: ClinVar variation 4737883 (VCV004737883.1).

ClinVar aggregate classification (germline): Uncertain significance (1 of 4 stars; one submission).

gnomAD v4.1: 113 of 1,613,526 alleles (0.007%); highest among the groups gnomAD compares: Admixed American, 0.005%; 1 homozygote.

Submission:

Labcorp Genetics (formerly Invitae), Labcorp
Classification: Uncertain significance. Last evaluated: 2025-02-20. Review status: criteria provided, single submitter. Criteria: Invitae Variant Classification Sherloc (09022015). Collection method: clinical testing. Allele origin: germline.
Comment: This sequence change replaces valine, which is neutral and non-polar, with methionine, which is neutral and non-polar, at codon 448 of the ADGRB2 protein (p.Val448Met). This variant is present in population databases (rs146233307, gnomAD 0.2%), and has an allele count higher than expected for a pathogenic variant. This variant has not been reported in the literature in individuals affected with ADGRB2-related conditions. An algorithm developed to predict the effect of missense changes on protein structure and function (PolyPhen-2) suggests that this variant is likely to be disruptive. In summary, the available evidence is currently insufficient to determine the role of this variant in disease. Therefore, it has been classified as a Variant of Uncertain Significance.